The following is an entry in ClinVar:

ClinVar aggregate classification (germline): Uncertain significance. Review status: criteria provided, multiple submitters, no conflicts (2 of 4 stars). 2 submissions from 2 submitters: Uncertain significance (2). Last evaluated 2025-10-06.

Conditions:
Dilated cardiomyopathy 1G (CMD1G). Identifiers: Orphanet 154, MedGen C1858763, MONDO:0011400, OMIM 604145.
Autosomal recessive limb-girdle muscular dystrophy type 2J (LGMDR10). Also called: MUSCULAR DYSTROPHY, LIMB-GIRDLE, AUTOSOMAL RECESSIVE 10; Limb-girdle muscular dystrophy, type 2J. Identifiers: Orphanet 140922, MedGen C1837342, MONDO:0012127, OMIM 608807.

Allele frequency attached by ClinVar (database versions not stated): ExAC 0.00002.

Submissions (2):

Labcorp Genetics (formerly Invitae), Labcorp
Classification: Uncertain significance for Dilated cardiomyopathy 1G; Autosomal recessive limb-girdle muscular dystrophy type 2J. Last evaluated: 2025-10-06. Review status: criteria provided, single submitter. Criteria: Invitae Variant Classification Sherloc (09022015). Collection method: clinical testing. Allele origin: germline.
Comment: This sequence change replaces serine, which is neutral and polar, with tyrosine, which is neutral and polar, at codon 35352 of the TTN protein (p.Ser35352Tyr). This variant is present in population databases (rs746512551, gnomAD 0.003%). This variant has not been reported in the literature in individuals affected with TTN-related conditions. ClinVar contains an entry for this variant (Variation ID: 2437980). Experimental studies and prediction algorithms are not available or were not evaluated, and the functional significance of this variant is currently unknown. This variant is located in the M band of TTN (PMID: 25589632). Non-truncating variants in this region may be relevant for neuromuscular disorders, but have not been definitively shown to cause cardiomyopathy (PMID: 23975875). In summary, the available evidence is currently insufficient to determine the role of this variant in disease. Therefore, it has been classified as a Variant of Uncertain Significance.

Revvity Omics, Revvity
Classification: Uncertain significance. Last evaluated: 2022-04-13. Review status: criteria provided, single submitter. Criteria: ACMG Guidelines, 2015. Collection method: clinical testing. Allele origin: germline.

Literature cited by the submitters: PubMed 25589632 (cited by Labcorp Genetics (formerly Invitae), Labcorp); PubMed 23975875 (cited by Labcorp Genetics (formerly Invitae), Labcorp).

NM_001267550.2(TTN):c.106055C>A (p.Ser35352Tyr)

Genes: TTN (titin; minus strand), TTN-AS1 (TTN antisense RNA 1; plus strand), LOC129935182 (ATAC-STARR-seq lymphoblastoid active region 16807; plus strand). Cytogenetic location: 2q31.2.
Variant type: single nucleotide variant.
Coding change: c.106055C>A on transcript NM_001267550.2 (MANE Select); coding-DNA position 106055, C replaced by A.
Protein change: p.Ser35352Tyr; replaces serine 35352 with tyrosine.
Molecular consequence: missense variant.
Genome position (GRCh38, 1-based): chr2:178,530,560, G>T on the plus strand (C>A on the coding strand, the complement: TTN is on the minus strand). VCF-style: chr2-178530560-G-T. GRCh37 (hg19) VCF-style: chr2-179395287-G-T.
Other names: c.101132C>A, p.Ser33711Tyr (NM_001256850.1); c.78860C>A, p.Ser26287Tyr (NM_003319.4); c.98351C>A, p.Ser32784Tyr (NM_133378.4); c.79235C>A, p.Ser26412Tyr (NM_133432.3); c.79436C>A, p.Ser26479Tyr (NM_133437.4); short protein forms S26287Y, S26412Y, S26479Y, S32784Y, S33711Y, S35352Y.
Identifiers: ClinVar variation 2437980 (VCV002437980.4), dbSNP rs746512551, ClinGen allele CA1985170.
Genomic context (GRCh38, chr2:178,530,560, plus strand): 5'-AAGTTGGTTTTAGACGTTCCACCTTCACCAGAAATCTCACAAACATATTCTCCTTGATCA[G>T]ATTCAGTGAGGTTATTGATTTTGAGCTCATAGGTACCATCTGCTGAATAATGAAACTGGA-3'
Protein context (NP_001254479.2, residues 35342-35362): YELKINNLTE[Ser35352Tyr]DQGEYVCEIS